The following is an entry in ClinVar:

NM_144670.6(A2ML1):c.2611A>C (p.Ser871Arg)

Gene: A2ML1 (alpha-2-macroglobulin like 1; plus strand). Cytogenetic location: 12p13.31.
Variant type: single nucleotide variant.
Coding change: c.2611A>C on transcript NM_144670.6 (MANE Select); coding-DNA position 2611, A replaced by C.
Protein change: p.Ser871Arg; replaces serine 871 with arginine.
Molecular consequence: missense variant.
Genome position (GRCh38, 1-based): chr12:8,854,148, A>C. VCF-style: chr12-8854148-A-C. GRCh37 (hg19) VCF-style: chr12-9006744-A-C.
Other names: c.1138A>C, p.Ser380Arg (NM_001282424.3); c.2611A>C (NM_144670.3, NM_144670.5); short protein forms S871R, S380R.
Identifiers: ClinVar variation 949287 (VCV000949287.10), dbSNP rs375073450, ClinGen allele CA6436075.

ClinVar aggregate classification (germline): Uncertain significance. Review status: criteria provided, multiple submitters, no conflicts (2 of 4 stars). 3 submissions from 3 submitters: Uncertain significance (3). Last evaluated 2026-04-07.

Conditions:
A2ML1-related disorder. Also called: A2ML1-related condition.

Allele frequency attached by ClinVar (database versions not stated): ExAC 0.00003; gnomAD exomes 0.00003; gnomAD 0.00005; TOPMed 0.00005; ESP Exome Variant Server 0.00008.
gnomAD v4.1: 100 of 1,599,884 alleles (0.0063%); highest among the groups gnomAD compares: Non-Finnish European, 0.0084%; no homozygotes.

Submissions (3):

PreventionGenetics, part of Exact Sciences
Classification: Uncertain significance for A2ML1-related condition. Last evaluated: 2026-04-07. Review status: criteria provided, single submitter. Criteria: ACMG Guidelines, 2015. Collection method: clinical testing. Allele origin: germline.
Comment: The A2ML1 c.2611A>C variant is predicted to result in the amino acid substitution p.Ser871Arg. To our knowledge, this variant has not been reported in the literature. This variant is reported in 0.0072% of alleles in individuals of European (Non-Finnish) descent in gnomAD. At this time, the clinical significance of this variant is uncertain due to the absence of conclusive functional and genetic evidence.

Labcorp Genetics (formerly Invitae), Labcorp
Classification: Uncertain significance. Last evaluated: 2025-11-17. Review status: criteria provided, single submitter. Criteria: Invitae Variant Classification Sherloc (09022015). Collection method: clinical testing. Allele origin: germline.
Comment: This sequence change replaces serine, which is neutral and polar, with arginine, which is basic and polar, at codon 871 of the A2ML1 protein (p.Ser871Arg). This variant is present in population databases (rs375073450, gnomAD 0.007%). This variant has not been reported in the literature in individuals affected with A2ML1-related conditions. ClinVar contains an entry for this variant (Variation ID: 949287). An algorithm developed to predict the effect of missense changes on protein structure and function (PolyPhen-2) suggests that this variant is likely to be tolerated. In summary, the available evidence is currently insufficient to determine the role of this variant in disease. Therefore, it has been classified as a Variant of Uncertain Significance.

Ambry Genetics
Classification: Uncertain significance. Last evaluated: 2024-12-10. Review status: criteria provided, single submitter. Criteria: Ambry Variant Classification Scheme 2023. Collection method: clinical testing. Allele origin: germline.